The following is an entry in ClinVar:

NM_000186.4(CFH):c.3133+4C>A

Gene: CFH (complement factor H; plus strand). Cytogenetic location: 1q31.3.
Variant type: single nucleotide variant.
Coding change: c.3133+4C>A on transcript NM_000186.4 (MANE Select); 4 bases into the intron after coding-DNA position 3133, C replaced by A.
Molecular consequence: intron variant.
Genome position (GRCh38, 1-based): chr1:196,742,055, C>A. VCF-style: chr1-196742055-C-A. GRCh37 (hg19) VCF-style: chr1-196711185-C-A.
Identifiers: ClinVar variation 1380220 (VCV001380220.6), dbSNP rs374729595, ClinGen allele CA1010869834.

ClinVar aggregate classification (germline): Uncertain significance (1 of 4 stars; one submission).

gnomAD v4.1: 3 of 1,613,730 alleles (0.00019%); highest among the groups gnomAD compares: Non-Finnish European, 0.00017%; no homozygotes.

Submission:

Labcorp Genetics (formerly Invitae), Labcorp
Classification: Uncertain significance. Last evaluated: 2024-10-24. Review status: criteria provided, single submitter. Criteria: Invitae Variant Classification Sherloc (09022015). Collection method: clinical testing. Allele origin: germline.
Comment: This sequence change falls in intron 19 of the CFH gene. It does not directly change the encoded amino acid sequence of the CFH protein. It affects a nucleotide within the consensus splice site. This variant is not present in population databases (gnomAD no frequency). This variant has not been reported in the literature in individuals affected with CFH-related conditions. ClinVar contains an entry for this variant (Variation ID: 1380220). Variants that disrupt the consensus splice site are a relatively common cause of aberrant splicing (PMID: 17576681, 9536098). Algorithms developed to predict the effect of sequence changes on RNA splicing suggest that this variant is not likely to affect RNA splicing. In summary, the available evidence is currently insufficient to determine the role of this variant in disease. Therefore, it has been classified as a Variant of Uncertain Significance.

Literature cited by the submitters: PubMed 17576681; PubMed 9536098.